The following is an entry in ClinVar:

NM_001164508.2(NEB):c.12667G>A (p.Ala4223Thr)

Gene: NEB (nebulin; minus strand). Cytogenetic location: 2q23.3.
Variant type: single nucleotide variant.
Coding change: c.12667G>A on transcript NM_001164508.2 (MANE Select); coding-DNA position 12667, G replaced by A.
Protein change: p.Ala4223Thr; replaces alanine 4223 with threonine.
Molecular consequence: missense variant. On other transcripts: intron variant (1).
Genome position (GRCh38, 1-based): chr2:151,606,686, C>T on the plus strand (G>A on the coding strand, the complement: NEB is on the minus strand). VCF-style: chr2-151606686-C-T. GRCh37 (hg19) VCF-style: chr2-152463200-C-T.
Other names: c.12667G>A, p.Ala4223Thr (NM_001164507.2, NM_001271208.2); c.11601+3123G>A (NM_004543.5); short protein forms A4223T.
Identifiers: ClinVar variation 227724 (VCV000227724.16), dbSNP rs12998234, ClinGen allele CA1908520.

ClinVar aggregate classification (germline): Benign/Likely benign. Review status: criteria provided, multiple submitters, no conflicts (2 of 4 stars). 10 submissions from 10 submitters: Benign (3); Likely benign (3). 4 of the submissions do not count toward it. Last evaluated 2026-02-04.

Conditions:
Nemaline myopathy 2 (NEM2). Also called: Nemaline myopathy 2, autosomal recessive. Identifiers: MedGen C1850569, MONDO:0009725, OMIM 256030.
Arthrogryposis multiplex congenita 6. Identifiers: MedGen C5543431, MONDO:0030281, OMIM 619334.

Allele frequency attached by ClinVar (database versions not stated): ExAC 0.00198; gnomAD 0.00244; gnomAD exomes 0.00437; 1000 Genomes Project 30x 0.01077.

Submissions (10):

Labcorp Genetics (formerly Invitae), Labcorp
Classification: Benign for Nemaline myopathy 2. Last evaluated: 2026-02-04. Review status: criteria provided, single submitter. Criteria: Invitae Variant Classification Sherloc (09022015). Collection method: clinical testing. Allele origin: germline.

Blueprint Genetics
Classification: Likely benign. Last evaluated: 2024-11-11. Review status: criteria provided, single submitter. Criteria: ACMG Guidelines, 2015. Collection method: clinical testing. Allele origin: germline.

Fulgent Genetics
Classification: Likely benign for Nemaline myopathy 2; Arthrogryposis multiplex congenita 6. Last evaluated: 2021-09-01. Review status: criteria provided, single submitter. Criteria: ACMG Guidelines, 2015. Collection method: clinical testing. Allele origin: unknown.

GeneDx
Classification: Benign. Last evaluated: 2018-01-19. Review status: criteria provided, single submitter. Criteria: GeneDx Variant Classification (06012015). Collection method: clinical testing. Allele origin: germline. Affected: yes.
Comment: This variant is considered likely benign or benign based on one or more of the following criteria: it is a conservative change, it occurs at a poorly conserved position in the protein, it is predicted to be benign by multiple in silico algorithms, and/or has population frequency not consistent with disease.

Laboratory for Molecular Medicine, Mass General Brigham Personalized Medicine
Classification: Likely benign. Last evaluated: 2014-12-19. Review status: criteria provided, single submitter. Criteria: LMM Criteria. Collection method: clinical testing. Allele origin: germline. Observed: 12 variant alleles.
Comment: NEB exons 82-105 are organized in three repetitive blocks of 8 exons each and be cause these blocks are nearly identical in sequence, homologous exons (e.g., exo ns 82, 90, and 98) are co-amplified and sequenced (each amplicon consists of 6 a lleles). This variant represents a nonhomologous position within the three repet itive blocks (c.12667G, c.14125A, and c.15583A). The variable alleles at this po sition are not expected to have clinical significance due to a lack of conservat ion across species, including mammals. A change at this position has also been i dentified in 0.33% (22/6658) of Asian chromosomes by the Exome Aggregate Consort ium.

PreventionGenetics, part of Exact Sciences
Classification: Benign. Review status: criteria provided, single submitter. Criteria: ACMG Guidelines, 2015. Collection method: clinical testing. Allele origin: germline.

Natera, Inc.
Classification: Benign for Nemaline myopathy type 2. Last evaluated: 2019-08-28. Review status: no assertion criteria provided. Collection method: clinical testing. Allele origin: germline. Not counted in ClinVar's aggregate classification.

Clinical Genetics DNA and cytogenetics Diagnostics Lab, Erasmus MC, Erasmus Medical Center
Classification: Benign. Review status: no assertion criteria provided. Collection method: clinical testing. Allele origin: germline. Affected: yes. Study: VKGL Data-share Consensus. Not counted in ClinVar's aggregate classification.

Genome Diagnostics Laboratory, University Medical Center Utrecht
Classification: Benign. Review status: no assertion criteria provided. Collection method: clinical testing. Allele origin: germline. Affected: yes. Study: VKGL Data-share Consensus. Not counted in ClinVar's aggregate classification.

Laboratory of Diagnostic Genome Analysis, Leiden University Medical Center (LUMC)
Classification: Likely benign. Review status: no assertion criteria provided. Collection method: clinical testing. Allele origin: germline. Affected: yes. Study: VKGL Data-share Consensus. Not counted in ClinVar's aggregate classification.